The following is an entry in ClinVar:

ClinVar aggregate classification (germline): Uncertain significance. Review status: criteria provided, multiple submitters, no conflicts (2 of 4 stars). 2 submissions from 2 submitters: Uncertain significance (2). Last evaluated 2024-12-23.

Allele frequency attached by ClinVar (database versions not stated): gnomAD exomes 0.00001; ExAC 0.00002; TOPMed 0.00003; gnomAD 0.00004.
gnomAD v4.1: 9 of 1,598,488 alleles (0.00056%); highest among the groups gnomAD compares: African/African-American, 0.0081%; no homozygotes.

Submissions (2):

Labcorp Genetics (formerly Invitae), Labcorp
Classification: Uncertain significance. Last evaluated: 2024-12-23. Review status: criteria provided, single submitter. Criteria: Invitae Variant Classification Sherloc (09022015). Collection method: clinical testing. Allele origin: germline.
Comment: This sequence change replaces glycine, which is neutral and non-polar, with valine, which is neutral and non-polar, at codon 378 of the PITPNM3 protein (p.Gly378Val). The frequency data for this variant in the population databases is considered unreliable, as metrics indicate poor data quality at this position in the gnomAD database. This variant has not been reported in the literature in individuals affected with PITPNM3-related conditions. ClinVar contains an entry for this variant (Variation ID: 1964210). Invitae Evidence Modeling of protein sequence and biophysical properties (such as structural, functional, and spatial information, amino acid conservation, physicochemical variation, residue mobility, and thermodynamic stability) indicates that this missense variant is not expected to disrupt PITPNM3 protein function with a negative predictive value of 80%. In summary, the available evidence is currently insufficient to determine the role of this variant in disease. Therefore, it has been classified as a Variant of Uncertain Significance.

Ambry Genetics
Classification: Uncertain significance. Last evaluated: 2023-11-28. Review status: criteria provided, single submitter. Criteria: Ambry Variant Classification Scheme 2023. Collection method: clinical testing. Allele origin: germline.

NM_031220.4(PITPNM3):c.1133G>T (p.Gly378Val)

Gene: PITPNM3 (PITPNM family member 3; minus strand). Cytogenetic location: 17p13.2.
Variant type: single nucleotide variant.
Coding change: c.1133G>T on transcript NM_031220.4 (MANE Select); coding-DNA position 1133, G replaced by T.
Protein change: p.Gly378Val; replaces glycine 378 with valine.
Molecular consequence: missense variant.
Genome position (GRCh38, 1-based): chr17:6,474,557, C>A on the plus strand (G>T on the coding strand, the complement: PITPNM3 is on the minus strand). VCF-style: chr17-6474557-C-A. GRCh37 (hg19) VCF-style: chr17-6377877-C-A.
Other names: c.1025G>T, p.Gly342Val (NM_001165966.2); c.1133G>T (NM_031220.3); short protein forms G378V, G342V.
Identifiers: ClinVar variation 1964210 (VCV001964210.6), dbSNP rs746331110, ClinGen allele CA8329598.